The following is an entry in ClinVar:

ClinVar aggregate classification (germline): Uncertain significance (1 of 4 stars; one submission).

Conditions:
NIK deficiency. Also called: Primary immunodeficiency with multifaceted aberrant lymphoid immunity. Identifiers: Orphanet 447731, MedGen C5680065, MONDO:0018642.

Allele frequency attached by ClinVar (database versions not stated): gnomAD exomes 0.00001 and 0.00005; ExAC 0.00004; gnomAD 0.00004; TOPMed 0.00007; ESP Exome Variant Server 0.00008; 1000 Genomes Project 30x 0.00016; 1000 Genomes Project 0.00020.
gnomAD v4.1: 16 of 1,611,480 alleles (0.00099%); highest among the groups gnomAD compares: African/African-American, 0.015%; no homozygotes.

Submission:

Labcorp Genetics (formerly Invitae), Labcorp
Classification: Uncertain significance for NIK deficiency. Last evaluated: 2022-05-18. Review status: criteria provided, single submitter. Criteria: Invitae Variant Classification Sherloc (09022015). Collection method: clinical testing. Allele origin: germline.
Comment: This sequence change replaces lysine, which is basic and polar, with arginine, which is basic and polar, at codon 330 of the MAP3K14 protein (p.Lys330Arg). This variant is present in population databases (rs376247949, gnomAD 0.06%). This variant has not been reported in the literature in individuals affected with MAP3K14-related conditions. ClinVar contains an entry for this variant (Variation ID: 950895). In summary, the available evidence is currently insufficient to determine the role of this variant in disease. Therefore, it has been classified as a Variant of Uncertain Significance.

NM_003954.5(MAP3K14):c.989A>G (p.Lys330Arg)

Gene: MAP3K14 (mitogen-activated protein kinase kinase kinase 14; minus strand). Cytogenetic location: 17q21.31.
Variant type: single nucleotide variant.
Coding change: c.989A>G on transcript NM_003954.5 (MANE Select); coding-DNA position 989, A replaced by G.
Protein change: p.Lys330Arg; replaces lysine 330 with arginine.
Molecular consequence: missense variant.
Genome position (GRCh38, 1-based): chr17:45,286,594, T>C on the plus strand (A>G on the coding strand, the complement: MAP3K14 is on the minus strand). VCF-style: chr17-45286594-T-C. GRCh37 (hg19) VCF-style: chr17-43363961-T-C.
Other names: short protein forms K330R.
Identifiers: ClinVar variation 950895 (VCV000950895.7), dbSNP rs376247949, ClinGen allele CA8614236.
Genomic context (GRCh38, chr17:45,286,594, plus strand): 5'-GCCTGGCCTGAGCTCACGCTGCCTTGCAGAGCATGCACTAGGTATTCCTCCACAGAAAAC[T>C]TCTCATGGGCACCACGAGACAGGCAGCTGGGCTCCAGGTGTGGGCCAGGCAGGGGCTTTG-3'
Protein context (NP_003945.2, residues 320-340): PSCLSRGAHE[Lys330Arg]FSVEEYLVHA